The following is an entry in ClinVar:

NM_015311.3(OBSL1):c.3883G>A (p.Gly1295Arg)

Gene: OBSL1 (obscurin like cytoskeletal adaptor 1; minus strand). Cytogenetic location: 2q35.
Variant type: single nucleotide variant.
Coding change: c.3883G>A on transcript NM_015311.3 (MANE Select); coding-DNA position 3883, G replaced by A.
Protein change: p.Gly1295Arg; replaces glycine 1295 with arginine.
Molecular consequence: missense variant.
Genome position (GRCh38, 1-based): chr2:219,557,526, C>T on the plus strand (G>A on the coding strand, the complement: OBSL1 is on the minus strand). VCF-style: chr2-219557526-C-T. GRCh37 (hg19) VCF-style: chr2-220422248-C-T.
Other names: c.3883G>A, p.Gly1295Arg (NM_001173431.2); c.3883G>A (NM_015311.2); short protein forms G1295R.
Identifiers: ClinVar variation 1423031 (VCV001423031.10), dbSNP rs530576939, ClinGen allele CA2130723.
Genomic context (GRCh38, chr2:219,557,526, plus strand): 5'-CCCGCCCCTGGCTTGCCAGTCGCTCCCCGTCCTTGTACCAGCGTACAGGGCCCCCTGGCC[C>T]GGAGAGGTGCACCACCAGCTCTAGGTCCCCGCCTGGGGTGCTCCGAACCCTCGTCTGGGC-3'
Protein context (NP_056126.1, residues 1285-1305): GDLELVVHLS[Gly1295Arg]PGGPVRWYKD

ClinVar aggregate classification (germline): Conflicting classifications of pathogenicity. Review status: criteria provided, conflicting classifications (1 of 4 stars). 5 submissions from 5 submitters: Uncertain significance (4); Likely benign (1). Last evaluated 2025-01-20.

Conditions:
Inborn genetic diseases. Identifiers: MedGen C0950123, MeSH D030342.
3M syndrome 2. Also called: THREE M SYNDROME 2; 3-M Syndrome, OBSL1-Related. Identifiers: Orphanet 2616, MedGen C2752041, MONDO:0013039, OMIM 612921.

Allele frequency attached by ClinVar (database versions not stated): 1000 Genomes Project 0.00020; ExAC 0.00038; 1000 Genomes Project 30x 0.00047.
gnomAD v4.1: 71 of 1,552,746 alleles (0.0046%); highest among the groups gnomAD compares: South Asian, 0.032%; no homozygotes.

Submissions (5):

Women's Health and Genetics/Laboratory Corporation of America, LabCorp
Classification: Uncertain significance. Last evaluated: 2025-01-20. Review status: criteria provided, single submitter. Criteria: LabCorp Variant Classification Summary - May 2015. Collection method: clinical testing. Allele origin: germline.
Comment: Variant summary: OBSL1 c.3883G>A (p.Gly1295Arg) results in a non-conservative amino acid change located in the Immunoglobulin domain (IPR013783) of the encoded protein sequence. Three of five in-silico tools predict a benign effect of the variant on protein function. The variant allele was found at a frequency of 0.0001 in 154294 control chromosomes. This frequency is not significantly higher than estimated for a pathogenic variant in OBSL1 causing Three M Syndrome 2 (0.0001 vs 0.0011), allowing no conclusion about variant significance. To our knowledge, no occurrence of c.3883G>A in individuals affected with Three M Syndrome 2 and no experimental evidence demonstrating its impact on protein function have been reported. ClinVar contains an entry for this variant (Variation ID: 1423031). Based on the evidence outlined above, the variant was classified as uncertain significance.

Labcorp Genetics (formerly Invitae), Labcorp
Classification: Uncertain significance. Last evaluated: 2024-11-04. Review status: criteria provided, single submitter. Criteria: Invitae Variant Classification Sherloc (09022015). Collection method: clinical testing. Allele origin: germline.
Comment: This sequence change replaces glycine, which is neutral and non-polar, with arginine, which is basic and polar, at codon 1295 of the OBSL1 protein (p.Gly1295Arg). This variant is present in population databases (rs530576939, gnomAD 0.07%). This variant has not been reported in the literature in individuals affected with OBSL1-related conditions. ClinVar contains an entry for this variant (Variation ID: 1423031). An algorithm developed to predict the effect of missense changes on protein structure and function outputs the following: PolyPhen-2: "Benign". The arginine amino acid residue is found in multiple mammalian species, which suggests that this missense change does not adversely affect protein function. In summary, the available evidence is currently insufficient to determine the role of this variant in disease. Therefore, it has been classified as a Variant of Uncertain Significance.

3billion
Classification: Likely benign for 3M syndrome 2. Last evaluated: 2024-09-20. Review status: criteria provided, single submitter. Criteria: ACMG Guidelines, 2015. Collection method: clinical testing. Allele origin: germline. Affected: no.
Comment: The homozygous variant was found in patients diagnosed with another variant in a different gene, with no symptoms related to the gene containing the homozygous variant.

Ambry Genetics
Classification: Uncertain significance for Inborn genetic diseases. Last evaluated: 2024-08-19. Review status: criteria provided, single submitter. Criteria: Ambry Variant Classification Scheme 2023. Collection method: clinical testing. Allele origin: germline.

Blueprint Genetics
Classification: Uncertain significance. Last evaluated: 2023-07-11. Review status: criteria provided, single submitter. Criteria: ACMG Guidelines, 2015. Collection method: clinical testing. Allele origin: germline.